The following is an entry in ClinVar:

ClinVar aggregate classification (germline): Pathogenic (1 of 4 stars; one submission).

Conditions:
Supravalvar aortic stenosis (SVAS). Also called: Supravalvar aortic stenosis, Eisenberg type. Identifiers: Orphanet 3193, MedGen C0003499, MONDO:0008504, OMIM 185500, HP:0004381.

Submission:

Labcorp Genetics (formerly Invitae), Labcorp
Classification: Pathogenic for Supravalvar aortic stenosis. Last evaluated: 2024-06-26. Review status: criteria provided, single submitter. Criteria: Invitae Variant Classification Sherloc (09022015). Collection method: clinical testing. Allele origin: germline.
Comment: This sequence change creates a premature translational stop signal (p.Tyr316Valfs*60) in the ELN gene. It is expected to result in an absent or disrupted protein product. Loss-of-function variants in ELN are known to be pathogenic (PMID: 11175284). This variant is not present in population databases (gnomAD no frequency). This variant has not been reported in the literature in individuals affected with ELN-related conditions. For these reasons, this variant has been classified as Pathogenic.

Literature cited by the submitters: PubMed 11175284.

NM_000501.4(ELN):c.944dup (p.Tyr316fs)

Gene: ELN (elastin; plus strand). Cytogenetic location: 7q11.23.
Variant type: Duplication.
Coding change: c.944dup on transcript NM_000501.4 (MANE Select); coding-DNA position 944, one base duplicated (A; older notation c.944dupA).
Protein change: p.Tyr316fs; shifts the reading frame from tyrosine 316.
Molecular consequence: frameshift variant.
Genome position (GRCh38, 1-based): chr7:74,051,978, A duplicated; the last of 2 consecutive A bases (chr7:74,051,977-74,051,978); duplicating either gives the same sequence. VCF-style (leftmost placement, unchanged base first): chr7-74051976-C-CA. GRCh37 (hg19) VCF-style: chr7-73466306-C-CA.
Other names: c.914dup, p.Tyr306fs (NM_001081752.3, NM_001278917.2); c.959dup, p.Tyr321fs (NM_001081753.3, NM_001081754.3); c.944dup, p.Tyr316fs (NM_001081755.3, NM_001278912.2, NM_001278915.2 and 1 more transcripts); c.836dup, p.Tyr280fs (NM_001278913.2); c.929dup, p.Tyr311fs (NM_001278914.2); c.902dup, p.Tyr302fs (NM_001278916.2); c.812dup, p.Tyr272fs (NM_001278918.2); short protein forms Y306fs, Y321fs, Y272fs, Y302fs, Y280fs, Y311fs, Y316fs.
Identifiers: ClinVar variation 3644463 (VCV003644463.2).
Genomic context (GRCh38, chr7:74,051,976, plus strand): 5'-GTTTTCAGGCGTTGGGACTCCAGCTGCAGCTGCAGCTGCAGCAGCAGCCGCTAAGGCAGC[C>CA]AAGTATGGTGAGTGCCTCCCGGGGTGGCAAGTCCACGGCTCGGGCCCCTGCATAGACCTC-3'